The following is an entry in ClinVar:

ClinVar aggregate classification (germline): Uncertain significance (1 of 4 stars; one submission).

Conditions:
Primary familial hypertrophic cardiomyopathy (HCM). Identifiers: Orphanet 99739, MedGen C0949658, MeSH D024741, MONDO:0024573. Inheritance: Various modes of inheritance.
Dilated cardiomyopathy 1AA (CMD1AA). Also called: CARDIOMYOPATHY, DILATED, 1AA, WITH OR WITHOUT LEFT VENTRICULAR NONCOMPACTION; CARDIOMYOPATHY, FAMILIAL HYPERTROPHIC, 23, WITH OR WITHOUT LEFT VENTRICULAR NONCOMPACTION; Cardiomyopathy, dilated, 1AA, with or without LVNC. Identifiers: Orphanet 154, MedGen C2677338, MONDO:0012808, OMIM 612158.

Allele frequency attached by ClinVar (database versions not stated): gnomAD exomes below 0.00001; TOPMed below 0.00001; gnomAD 0.00001.
gnomAD v4.1: 2 of 1,614,012 alleles (0.00012%); highest among the groups gnomAD compares: Non-Finnish European, 0.00017%; no homozygotes.

Submission:

Labcorp Genetics (formerly Invitae), Labcorp
Classification: Uncertain significance for Primary familial hypertrophic cardiomyopathy; Dilated cardiomyopathy 1AA. Last evaluated: 2025-01-06. Review status: criteria provided, single submitter. Criteria: Invitae Variant Classification Sherloc (09022015). Collection method: clinical testing. Allele origin: germline.
Comment: This sequence change replaces leucine, which is neutral and non-polar, with phenylalanine, which is neutral and non-polar, at codon 184 of the ACTN2 protein (p.Leu184Phe). This variant is not present in population databases (gnomAD no frequency). This variant has not been reported in the literature in individuals affected with ACTN2-related conditions. ClinVar contains an entry for this variant (Variation ID: 858812). Invitae Evidence Modeling of protein sequence and biophysical properties (such as structural, functional, and spatial information, amino acid conservation, physicochemical variation, residue mobility, and thermodynamic stability) indicates that this missense variant is expected to disrupt ACTN2 protein function with a positive predictive value of 80%. In summary, the available evidence is currently insufficient to determine the role of this variant in disease. Therefore, it has been classified as a Variant of Uncertain Significance.

NM_001103.4(ACTN2):c.550C>T (p.Leu184Phe)

Gene: ACTN2 (actinin alpha 2; plus strand). Cytogenetic location: 1q43.
Variant type: single nucleotide variant.
Coding change: c.550C>T on transcript NM_001103.4 (MANE Select); coding-DNA position 550, C replaced by T.
Protein change: p.Leu184Phe; replaces leucine 184 with phenylalanine.
Molecular consequence: missense variant. On other transcripts: 5 prime UTR variant (1).
Genome position (GRCh38, 1-based): chr1:236,727,691, C>T. VCF-style: chr1-236727691-C-T. GRCh37 (hg19) VCF-style: chr1-236890991-C-T.
Other names: c.550C>T, p.Leu184Phe (NM_001278343.2); c.-272C>T (NM_001278344.2); short protein forms L184F.
Identifiers: ClinVar variation 858812 (VCV000858812.3), dbSNP rs1405476528, ClinGen allele CA345375361.